The following is an entry in ClinVar:

ClinVar aggregate classification (germline): Likely benign. Review status: criteria provided, multiple submitters, no conflicts (2 of 4 stars). 2 submissions from 2 submitters: Likely benign (2). Last evaluated 2024-12-30.

Conditions:
Familial hemiplegic migraine. Identifiers: MedGen C0338484, MONDO:0000700.

gnomAD v4.1: 1 of 1,587,574 alleles (0.000063%); highest among the groups gnomAD compares: Non-Finnish European, 0.000086%; no homozygotes.

Submissions (2):

Labcorp Genetics (formerly Invitae), Labcorp
Classification: Likely benign for Familial hemiplegic migraine. Last evaluated: 2024-12-30. Review status: criteria provided, single submitter. Criteria: Invitae Variant Classification Sherloc (09022015). Collection method: clinical testing. Allele origin: germline.

GeneDx
Classification: Likely benign. Last evaluated: 2016-02-11. Review status: criteria provided, single submitter. Criteria: GeneDx Variant Classification (06012015). Collection method: clinical testing. Allele origin: germline. Affected: yes.
Comment: This variant is considered likely benign or benign based on one or more of the following criteria: it is a conservative change, it occurs at a poorly conserved position in the protein, it is predicted to be benign by multiple in silico algorithms, and/or has population frequency not consistent with disease.

NM_000702.4(ATP1A2):c.1017+9G>T

Gene: ATP1A2 (ATPase Na+/K+ transporting subunit alpha 2; plus strand). Cytogenetic location: 1q23.2.
Variant type: single nucleotide variant.
Coding change: c.1017+9G>T on transcript NM_000702.4 (MANE Select); 9 bases into the intron after coding-DNA position 1017, G replaced by T.
Molecular consequence: intron variant.
Genome position (GRCh38, 1-based): chr1:160,127,829, G>T. VCF-style: chr1-160127829-G-T. GRCh37 (hg19) VCF-style: chr1-160097619-G-T.
Identifiers: ClinVar variation 383431 (VCV000383431.3), dbSNP rs1057521623, ClinGen allele CA16603439.